The following is an entry in ClinVar:

ClinVar aggregate classification (germline): Uncertain significance (1 of 4 stars; one submission).

Conditions:
Arginine:glycine amidinotransferase deficiency (CCDS3). Also called: L-Arginine:Glycine Amidinotransferase (AGAT) Deficiency; Cerebral creatine deficiency syndrome 3; L-Arginine:Glycine Amidinotransferase Deficiency; Creatine deficiency syndrome due to AGAT deficiency; GATM deficiency; AGAT deficiency. Identifiers: Orphanet 35704, MedGen C2675179, MONDO:0012996, OMIM 612718.

Allele frequency attached by ClinVar (database versions not stated): TOPMed below 0.00001.

Submission:

Labcorp Genetics (formerly Invitae), Labcorp
Classification: Uncertain significance for Arginine:glycine amidinotransferase deficiency. Last evaluated: 2023-11-24. Review status: criteria provided, single submitter. Criteria: Invitae Variant Classification Sherloc (09022015). Collection method: clinical testing. Allele origin: germline.
Comment: This sequence change replaces lysine, which is basic and polar, with glutamine, which is neutral and polar, at codon 331 of the GATM protein (p.Lys331Gln). This variant is not present in population databases (gnomAD no frequency). This variant has not been reported in the literature in individuals affected with GATM-related conditions. ClinVar contains an entry for this variant (Variation ID: 566779). An algorithm developed to predict the effect of missense changes on protein structure and function (PolyPhen-2) suggests that this variant is likely to be tolerated. In summary, the available evidence is currently insufficient to determine the role of this variant in disease. Therefore, it has been classified as a Variant of Uncertain Significance.

NM_001482.3(GATM):c.991A>C (p.Lys331Gln)

Gene: GATM (glycine amidinotransferase; minus strand). Cytogenetic location: 15q21.1.
Variant type: single nucleotide variant.
Coding change: c.991A>C on transcript NM_001482.3 (MANE Select); coding-DNA position 991, A replaced by C.
Protein change: p.Lys331Gln; replaces lysine 331 with glutamine.
Molecular consequence: missense variant.
Genome position (GRCh38, 1-based): chr15:45,364,848, T>G on the plus strand (A>C on the coding strand, the complement: GATM is on the minus strand). VCF-style: chr15-45364848-T-G. GRCh37 (hg19) VCF-style: chr15-45657046-T-G.
Other names: c.604A>C, p.Lys202Gln (NM_001321015.2); short protein forms K331Q, K202Q.
Identifiers: ClinVar variation 566779 (VCV000566779.7), dbSNP rs1566839535, ClinGen allele CA392256660.